The following is an entry in ClinVar:

NM_003000.3(SDHB):c.239A>G (p.Lys80Arg)

Gene: SDHB (succinate dehydrogenase complex iron sulfur subunit B; minus strand). Cytogenetic location: 1p36.13.
Variant type: single nucleotide variant.
Coding change: c.239A>G on transcript NM_003000.3 (MANE Select); coding-DNA position 239, A replaced by G.
Protein change: p.Lys80Arg; replaces lysine 80 with arginine.
Molecular consequence: missense variant.
Genome position (GRCh38, 1-based): chr1:17,033,107, T>C on the plus strand (A>G on the coding strand, the complement: SDHB is on the minus strand). VCF-style: chr1-17033107-T-C. GRCh37 (hg19) VCF-style: chr1-17359602-T-C.
Other names: c.239A>G, p.Lys80Arg (NM_001407361.1); short protein forms K80R.
Identifiers: ClinVar variation 2118396 (VCV002118396.4), dbSNP rs2525031610, ClinGen allele CA338276558.

ClinVar aggregate classification (germline): Uncertain significance (1 of 4 stars; one submission).

Conditions:
Pheochromocytoma. Also called: MAX-Related Hereditary Paraganglioma-Pheochromocytoma Syndrome. Identifiers: Orphanet 29072, MedGen C0031511, MONDO:0008233, OMIM 171300, HP:0002666.
Pheochromocytoma/paraganglioma syndrome 4. Also called: CAROTID BODY TUMORS AND MULTIPLE EXTRAADRENAL PHEOCHROMOCYTOMAS; SDHB-Related Hereditary Paraganglioma-Pheochromocytoma Syndrome (Paragangliomas 4); SDHB-Related Hereditary Paraganglioma-Pheochromocytoma Syndrome; PARAGANGLIOMA, FAMILIAL MALIGNANT; PARAGANGLIOMAS, HEREDITARY EXTRAADRENAL; PHEOCHROMOCYTOMA, FAMILIAL EXTRAADRENAL. Identifiers: Orphanet 29072, MedGen C1861848, MONDO:0007273, OMIM 115310.
Gastrointestinal stromal tumor. Also called: Gastrointestinal stroma tumor; Gastrointestinal stromal tumor, somatic. Identifiers: Orphanet 44890, MedGen C0238198, MeSH D046152, MONDO:0011719, OMIM 606764, HP:0100723.

Submission:

Labcorp Genetics (formerly Invitae), Labcorp
Classification: Uncertain significance for Gastrointestinal stromal tumor; Pheochromocytoma/paraganglioma syndrome 4; Pheochromocytoma. Last evaluated: 2023-06-20. Review status: criteria provided, single submitter. Criteria: Invitae Variant Classification Sherloc (09022015). Collection method: clinical testing. Allele origin: germline.
Comment: In summary, the available evidence is currently insufficient to determine the role of this variant in disease. Therefore, it has been classified as a Variant of Uncertain Significance. RNA analysis performed to evaluate the impact of this missense change on mRNA splicing indicates it does not significantly alter splicing (Invitae). Advanced modeling of protein sequence and biophysical properties (such as structural, functional, and spatial information, amino acid conservation, physicochemical variation, residue mobility, and thermodynamic stability) performed at Invitae indicates that this missense variant is not expected to disrupt SDHB protein function. ClinVar contains an entry for this variant (Variation ID: 2118396). This variant has not been reported in the literature in individuals affected with SDHB-related conditions. This variant is not present in population databases (gnomAD no frequency). This sequence change replaces lysine, which is basic and polar, with arginine, which is basic and polar, at codon 80 of the SDHB protein (p.Lys80Arg).